The following is an entry in ClinVar:

NM_012470.4(TNPO3):c.1103A>G (p.Tyr368Cys)

Gene: TNPO3 (transportin 3; minus strand). Cytogenetic location: 7q32.1.
Variant type: single nucleotide variant.
Coding change: c.1103A>G on transcript NM_012470.4 (MANE Select); coding-DNA position 1103, A replaced by G.
Protein change: p.Tyr368Cys; replaces tyrosine 368 with cysteine.
Molecular consequence: missense variant. On other transcripts: non-coding transcript variant (17), intron variant (1).
Genome position (GRCh38, 1-based): chr7:128,997,444, T>C on the plus strand (A>G on the coding strand, the complement: TNPO3 is on the minus strand). VCF-style: chr7-128997444-T-C. GRCh37 (hg19) VCF-style: chr7-128637498-T-C.
Other names: c.1103A>G, p.Tyr368Cys (NM_001191028.3, NM_001382216.1, NM_001382218.1 and 3 more transcripts); c.1184A>G, p.Tyr395Cys (NM_001382217.1); c.959A>G, p.Tyr320Cys (NM_001382221.1); c.1011+2985A>G (NM_001382222.1); short protein forms Y320C, Y368C, Y395C.
Identifiers: ClinVar variation 3639165 (VCV003639165.2).

ClinVar aggregate classification (germline): Uncertain significance (1 of 4 stars; one submission).

Conditions:
Autosomal dominant limb-girdle muscular dystrophy type 1F (LGMDD2). Also called: Limb-girdle muscular dystrophy, type 1F; MUSCULAR DYSTROPHY, LIMB-GIRDLE, AUTOSOMAL DOMINANT 2. Identifiers: Orphanet 55595, MedGen C1842062, MONDO:0012034, OMIM 608423.

Submission:

Labcorp Genetics (formerly Invitae), Labcorp
Classification: Uncertain significance for Autosomal dominant limb-girdle muscular dystrophy type 1F. Last evaluated: 2024-02-06. Review status: criteria provided, single submitter. Criteria: Invitae Variant Classification Sherloc (09022015). Collection method: clinical testing. Allele origin: germline.
Comment: This sequence change replaces tyrosine, which is neutral and polar, with cysteine, which is neutral and slightly polar, at codon 368 of the TNPO3 protein (p.Tyr368Cys). This variant is not present in population databases (gnomAD no frequency). This variant has not been reported in the literature in individuals affected with TNPO3-related conditions. Advanced modeling of protein sequence and biophysical properties (such as structural, functional, and spatial information, amino acid conservation, physicochemical variation, residue mobility, and thermodynamic stability) performed at Invitae indicates that this missense variant is not expected to disrupt TNPO3 protein function with a negative predictive value of 80%. In summary, the available evidence is currently insufficient to determine the role of this variant in disease. Therefore, it has been classified as a Variant of Uncertain Significance.